The following is an entry in ClinVar:

ClinVar aggregate classification (germline): Conflicting classifications of pathogenicity. Review status: criteria provided, conflicting classifications (1 of 4 stars). 4 submissions from 4 submitters: Uncertain significance (3); Likely benign (1). Last evaluated 2025-01-10.

Conditions:
Hereditary breast ovarian cancer syndrome. Also called: Hereditary breast and ovarian cancer; Hereditary breast and ovarian cancer syndrome (HBOC); Breast and ovarian cancer; Hereditary breast and ovarian cancer syndrome; BRCA1- and BRCA2-Associated Hereditary Breast and Ovarian Cancer; Hereditary breast and/or ovarian cancer syndrome. Identifiers: Orphanet 145, MedGen C0677776, MeSH D061325, MONDO:0003582. Disease mechanism: loss of function.
Hereditary cancer-predisposing syndrome. Also called: Tumor predisposition; Hereditary neoplastic syndrome; Hereditary Cancer Syndrome; Neoplastic Syndromes, Hereditary. Identifiers: Orphanet 140162, MedGen C0027672, MeSH D009386, MONDO:0015356.

Submissions (4):

Ambry Genetics
Classification: Uncertain significance for Hereditary cancer-predisposing syndrome. Last evaluated: 2025-01-10. Review status: criteria provided, single submitter. Criteria: Ambry Variant Classification Scheme 2023. Collection method: clinical testing. Allele origin: germline.

University of Washington Department of Laboratory Medicine, University of Washington
Classification: Likely benign for Hereditary cancer-predisposing syndrome. Last evaluated: 2023-03-23. Review status: criteria provided, single submitter. Criteria: Dines et al. (Genet Med. 2020). Collection method: curation. Allele origin: germline.
Comment: Missense variant in a coldspot region where missense variants are very unlikely to be pathogenic (PMID:31911673).

BRCA2 exon 11 coldspot. Reclassification based on statistical prior probability.

Labcorp Genetics (formerly Invitae), Labcorp
Classification: Uncertain significance for Hereditary breast ovarian cancer syndrome. Last evaluated: 2020-05-20. Review status: criteria provided, single submitter. Criteria: Invitae Variant Classification Sherloc (09022015). Collection method: clinical testing. Allele origin: germline.
Comment: This sequence change replaces threonine with lysine at codon 1647 of the BRCA2 protein (p.Thr1647Lys). The threonine residue is weakly conserved and there is a moderate physicochemical difference between threonine and lysine. In summary, the available evidence is currently insufficient to determine the role of this variant in disease. Therefore, it has been classified as a Variant of Uncertain Significance. Algorithms developed to predict the effect of missense changes on protein structure and function are either unavailable or do not agree on the potential impact of this missense change (SIFT: "Tolerated"; PolyPhen-2: "Possibly Damaging"; Align-GVGD: "Class C0"). This variant has not been reported in the literature in individuals with BRCA2-related conditions. This variant is not present in population databases (ExAC no frequency).

Women's Health and Genetics/Laboratory Corporation of America, LabCorp
Classification: Uncertain significance. Last evaluated: 2020-01-14. Review status: criteria provided, single submitter. Criteria: LabCorp Variant Classification Summary - May 2015. Collection method: clinical testing. Allele origin: germline.
Comment: Variant summary: BRCA2 c.4940C>A (p.Thr1647Lys) results in a non-conservative amino acid change in the encoded protein sequence. Three of five in-silico tools predict a benign effect of the variant on protein function. The variant was absent in 242220 control chromosomes. The available data on variant occurrences in the general population are insufficient to allow any conclusion about variant significance. To our knowledge, no occurrence of c.4940C>A in individuals affected with Hereditary Breast and Ovarian Cancer and no experimental evidence demonstrating its impact on protein function have been reported. No clinical diagnostic laboratories have submitted clinical-significance assessments for this variant to ClinVar after 2014. Based on the evidence outlined above, the variant was classified as uncertain significance.

NM_000059.4(BRCA2):c.4940C>A (p.Thr1647Lys)

Gene: BRCA2 (BRCA2 DNA repair associated; plus strand). Cytogenetic location: 13q13.1.
Variant type: single nucleotide variant.
Coding change: c.4940C>A on transcript NM_000059.4 (MANE Select); coding-DNA position 4940, C replaced by A.
Protein change: p.Thr1647Lys; replaces threonine 1647 with lysine.
Molecular consequence: missense variant.
Genome position (GRCh38, 1-based): chr13:32,339,295, C>A. VCF-style: chr13-32339295-C-A. GRCh37 (hg19) VCF-style: chr13-32913432-C-A.
Other names: short protein forms T1647K.
Identifiers: ClinVar variation 917575 (VCV000917575.13), dbSNP rs1593903891, ClinGen allele CA387783713.